The following is an entry in ClinVar:

ClinVar aggregate classification (germline): Benign/Likely benign. Review status: criteria provided, multiple submitters, no conflicts (2 of 4 stars). 2 submissions from 2 submitters: Benign (1); Likely benign (1). Last evaluated 2025-09-22.

Conditions:
Hereditary sensory neuropathy-deafness-dementia syndrome. Also called: HSN IE; Hereditary sensory neuropathy type IE; Hereditary Sensory and Autonomic Neuropathy Type 1E (HSAN1E); NEUROPATHY, HEREDITARY SENSORY, WITH HEARING LOSS AND DEMENTIA. Identifiers: Orphanet 456318, MedGen C3279885, MONDO:0013584, OMIM 614116.

Allele frequency attached by ClinVar (database versions not stated): gnomAD 0.00032; TOPMed 0.00033; ESP Exome Variant Server 0.00077; 1000 Genomes Project 30x 0.00094; 1000 Genomes Project 0.00100.
gnomAD v4.1: 80 of 1,613,294 alleles (0.005%); highest among the groups gnomAD compares: African/African-American, 0.083%; no homozygotes.

Submissions (2):

Labcorp Genetics (formerly Invitae), Labcorp
Classification: Benign for Hereditary sensory neuropathy-deafness-dementia syndrome. Last evaluated: 2025-09-22. Review status: criteria provided, single submitter. Criteria: Invitae Variant Classification Sherloc (09022015). Collection method: clinical testing. Allele origin: germline.

GeneDx
Classification: Likely benign. Last evaluated: 2016-03-11. Review status: criteria provided, single submitter. Criteria: GeneDx Variant Classification (06012015). Collection method: clinical testing. Allele origin: germline. Affected: yes.
Comment: This variant is considered likely benign or benign based on one or more of the following criteria: it is a conservative change, it occurs at a poorly conserved position in the protein, it is predicted to be benign by multiple in silico algorithms, and/or has population frequency not consistent with disease.

NM_001130823.3(DNMT1):c.1280+14C>G

Gene: DNMT1 (DNA methyltransferase 1; minus strand). Cytogenetic location: 19p13.2.
Variant type: single nucleotide variant.
Coding change: c.1280+14C>G on transcript NM_001130823.3 (MANE Select); 14 bases into the intron after coding-DNA position 1280, C replaced by G.
Molecular consequence: intron variant.
Genome position (GRCh38, 1-based): chr19:10,159,644, G>C on the plus strand (C>G on the coding strand, the complement: DNMT1 is on the minus strand). VCF-style: chr19-10159644-G-C. GRCh37 (hg19) VCF-style: chr19-10270320-G-C.
Other names: c.1280+14C>G (LRG_362t1); c.917+14C>G (NM_001318731.2); c.1232+14C>G (NM_001379.4, NM_001318730.2).
Identifiers: ClinVar variation 377787 (VCV000377787.9), dbSNP rs372425803, ClinGen allele CA9188345.